The following is an entry in ClinVar:

ClinVar aggregate classification (germline): Conflicting classifications of pathogenicity. Review status: criteria provided, conflicting classifications (1 of 4 stars). 9 submissions from 6 submitters: Likely pathogenic (1); Uncertain significance (8). Last evaluated 2025-10-02.

Conditions:
Atypical hemolytic-uremic syndrome. Identifiers: Orphanet 2134, MedGen C2931788, MONDO:0016244.
Factor H deficiency (CFHD). Also called: COMPLEMENT FACTOR H DEFICIENCY; CFH DEFICIENCY. Identifiers: Orphanet 200421, MedGen C0398777, MONDO:0012350, OMIM 609814.
Basal laminar drusen. Also called: DRUSEN OF BRUCH MEMBRANE; DRUSEN, CUTICULAR; DRUSEN, EARLY ADULT-ONSET, GROUPED. Identifiers: Orphanet 75376, MedGen C0730295, MONDO:0007472, OMIM 126700.
Hemolytic uremic syndrome, atypical, susceptibility to, 1. Also called: AHUS, SUSCEPTIBILITY TO, 1. Identifiers: Orphanet 2134, Orphanet 90038, MedGen C2749604, MONDO:0009335, OMIM 235400. Disease mechanism: Other.
Age related macular degeneration 4. Identifiers: MedGen C1853147, MONDO:0012540, OMIM 610698.

Allele frequency attached by ClinVar (database versions not stated): gnomAD exomes below 0.00001; gnomAD 0.00001; TOPMed 0.00001; ESP Exome Variant Server 0.00008.
gnomAD v4.1: 8 of 1,613,118 alleles (0.0005%); highest among the groups gnomAD compares: African/African-American, 0.0013%; no homozygotes.

Submissions (9):

Genomenon, Inc
Classification: Likely pathogenic for Age related macular degeneration 4. Last evaluated: 2025-10-02. Review status: criteria provided, single submitter. Criteria: Genomenon Sequence Variant Interpretation Standards - Updated. Collection method: curation. Allele origin: germline. Affected: yes.
Comment: CFH p.Arg175Pro (c.524G>C) is a missense variant that changes the amino acid at residue 175 from Arginine to Proline. This variant has been observed in at least one proband affected with age-related macular degeneration (PMID:27572114). The variant was found to segregate with disease in at least one affected family (PMID:27572114). At least one functional study has demonstrated a substantial alteration in protein function relative to the wild-type (PMID:36445700;36846022;34189567). It is absent or not present at a significant frequency in gnomAD. In conclusion, we classify CFH p.Arg175Pro (c.524G>C) as a likely pathogenic variant.

Mayo Clinic Laboratories, Mayo Clinic
Classification: Uncertain significance. Last evaluated: 2025-06-15. Review status: criteria provided, single submitter. Criteria: ACMG Guidelines, 2015. Collection method: clinical testing. Allele origin: germline. Observed: 1 variant allele.
Comment: PM2_supporting, PS3_moderate, PS4_supporting

Labcorp Genetics (formerly Invitae), Labcorp
Classification: Uncertain significance. Last evaluated: 2025-01-13. Review status: criteria provided, single submitter. Criteria: Invitae Variant Classification Sherloc (09022015). Collection method: clinical testing. Allele origin: germline.
Comment: This sequence change replaces arginine, which is basic and polar, with proline, which is neutral and non-polar, at codon 175 of the CFH protein (p.Arg175Pro). This variant is present in population databases (rs139360826, gnomAD 0.007%). This missense change has been observed in individual(s) with age-related macular degeneration (PMID: 26501415, 27572114). ClinVar contains an entry for this variant (Variation ID: 636726). An algorithm developed to predict the effect of missense changes on protein structure and function (PolyPhen-2) suggests that this variant is likely to be disruptive. Experimental studies have shown that this missense change affects CFH function (PMID: 27572114, 34189567, 36445700). In summary, the available evidence is currently insufficient to determine the role of this variant in disease. Therefore, it has been classified as a Variant of Uncertain Significance.

Genome-Nilou Lab
Classification: Uncertain significance for Hemolytic uremic syndrome, atypical, susceptibility to, 1. Last evaluated: 2023-04-11. Review status: criteria provided, single submitter. Criteria: ACMG Guidelines, 2015. Collection method: clinical testing. Allele origin: germline. Affected: no.

Genome-Nilou Lab
Classification: Uncertain significance for Age related macular degeneration 4. Last evaluated: 2023-04-11. Review status: criteria provided, single submitter. Criteria: ACMG Guidelines, 2015. Collection method: clinical testing. Allele origin: germline. Affected: no.

Genome-Nilou Lab
Classification: Uncertain significance for Basal laminar drusen. Last evaluated: 2023-04-11. Review status: criteria provided, single submitter. Criteria: ACMG Guidelines, 2015. Collection method: clinical testing. Allele origin: germline. Affected: no.

Genome-Nilou Lab
Classification: Uncertain significance for Factor H deficiency. Last evaluated: 2023-04-11. Review status: criteria provided, single submitter. Criteria: ACMG Guidelines, 2015. Collection method: clinical testing. Allele origin: germline. Affected: no.

Genome Diagnostics Laboratory, The Hospital for Sick Children
Classification: Uncertain significance for Atypical hemolytic-uremic syndrome. Last evaluated: 2020-02-01. Review status: criteria provided, single submitter. Criteria: ACMG Guidelines, 2015. Collection method: clinical testing. Allele origin: germline.

Blueprint Genetics
Classification: Uncertain significance. Last evaluated: 2018-07-26. Review status: criteria provided, single submitter. Criteria: ACMG Guidelines, 2015. Collection method: clinical testing. Allele origin: germline.

Literature cited by the submitters: PubMed 27572114 (cited by 3 submitters); PubMed 36445700 (cited by Genomenon, Inc and Labcorp Genetics (formerly Invitae), Labcorp); PubMed 36846022 (cited by Genomenon, Inc); PubMed 34189567 (cited by 3 submitters); PubMed 26501415 (cited by Mayo Clinic Laboratories, Mayo Clinic and Labcorp Genetics (formerly Invitae), Labcorp).

NM_000186.4(CFH):c.524G>C (p.Arg175Pro)

Gene: CFH (complement factor H; plus strand). Cytogenetic location: 1q31.3.
Variant type: single nucleotide variant.
Coding change: c.524G>C on transcript NM_000186.4 (MANE Select); coding-DNA position 524, G replaced by C.
Protein change: p.Arg175Pro; replaces arginine 175 with proline.
Molecular consequence: missense variant.
Genome position (GRCh38, 1-based): chr1:196,677,572, G>C. VCF-style: chr1-196677572-G-C. GRCh37 (hg19) VCF-style: chr1-196646702-G-C.
Other names: p.Arg175Pro; c.524G>C, p.Arg175Pro (NM_001014975.3); short protein forms R175P.
Identifiers: ClinVar variation 636726 (VCV000636726.11), dbSNP rs139360826, ClinGen allele CA35814234.